The following is an entry in ClinVar:

ClinVar aggregate classification (germline): Uncertain significance (1 of 4 stars; one submission).

Conditions:
Hereditary cancer-predisposing syndrome. Also called: Tumor predisposition; Hereditary neoplastic syndrome; Hereditary Cancer Syndrome; Neoplastic Syndromes, Hereditary. Identifiers: Orphanet 140162, MedGen C0027672, MeSH D009386, MONDO:0015356.

Allele frequency attached by ClinVar (database versions not stated): TOPMed below 0.00001; gnomAD 0.00001.
gnomAD v4.1: 1 of 1,613,768 alleles (0.000062%); highest among the groups gnomAD compares: Non-Finnish European, 0.000085%; no homozygotes.

Submission:

Ambry Genetics
Classification: Uncertain significance for Hereditary cancer-predisposing syndrome. Last evaluated: 2023-09-28. Review status: criteria provided, single submitter. Criteria: Ambry Variant Classification Scheme 2023. Collection method: clinical testing. Allele origin: germline.
Comment: The p.T191K variant (also known as c.572C>A), located in coding exon 7 of the SMARCE1 gene, results from a C to A substitution at nucleotide position 572. The threonine at codon 191 is replaced by lysine, an amino acid with similar properties. This amino acid position is well conserved in available vertebrate species. In addition, this alteration is predicted to be tolerated by in silico analysis. Missense and in-frame variants in SMARCE1 are known to cause neurodevelopmental disorders; however, such associations with increased risk of meningiomas are exceedingly rare (Kosho T et al. Am J Med Genet C Semin Med Genet. 2014 Sep;166C(3):262-75; Smith JM et al. Nat Genet. 2013 Mar;45(3):295-8). Based on the supporting evidence, the association of this alteration with Coffin-Siris syndrome is unknown; however, the association of this alteration with an increased risk of meningiomas is unlikely.

NM_003079.5(SMARCE1):c.572C>A (p.Thr191Lys)

Gene: SMARCE1 (SWI/SNF related BAF chromatin remodeling complex subunit E1; minus strand). Cytogenetic location: 17q21.2.
Variant type: single nucleotide variant.
Coding change: c.572C>A on transcript NM_003079.5 (MANE Select); coding-DNA position 572, C replaced by A.
Protein change: p.Thr191Lys; replaces threonine 191 with lysine.
Molecular consequence: missense variant.
Genome position (GRCh38, 1-based): chr17:40,632,337, G>T on the plus strand (C>A on the coding strand, the complement: SMARCE1 is on the minus strand). VCF-style: chr17-40632337-G-T. GRCh37 (hg19) VCF-style: chr17-38788589-G-T.
Other names: short protein forms T191K.
Identifiers: ClinVar variation 3223099 (VCV003223099.1), dbSNP rs1384165093, ClinGen allele CA399364846.